The following is an entry in ClinVar:

ClinVar aggregate classification (germline): Uncertain significance (1 of 4 stars; one submission).

Conditions:
Congenital myasthenic syndrome 12 (CMS12). Also called: Myasthenia, congenital, 12, with tubular aggregates; MYASTHENIC SYNDROME, CONGENITAL, WITH TUBULAR AGGREGATES 1. Identifiers: Orphanet 353327, Orphanet 590, MedGen C3552335, MONDO:0012518, OMIM 610542.

Allele frequency attached by ClinVar (database versions not stated): gnomAD exomes below 0.00001.
gnomAD v4.1: 1 of 1,607,712 alleles (0.000062%); highest among the groups gnomAD compares: Non-Finnish European, 0.000085%; no homozygotes.

Submission:

Labcorp Genetics (formerly Invitae), Labcorp
Classification: Uncertain significance for Congenital myasthenic syndrome 12. Last evaluated: 2026-01-05. Review status: criteria provided, single submitter. Criteria: Invitae Variant Classification Sherloc (09022015). Collection method: clinical testing. Allele origin: germline.
Comment: This sequence change replaces isoleucine, which is neutral and non-polar, with valine, which is neutral and non-polar, at codon 83 of the GFPT1 protein (p.Ile83Val). This variant is not present in population databases (gnomAD no frequency). This variant has not been reported in the literature in individuals affected with GFPT1-related conditions. ClinVar contains an entry for this variant (Variation ID: 2057368). Invitae Evidence Modeling of protein sequence and biophysical properties (such as structural, functional, and spatial information, amino acid conservation, physicochemical variation, residue mobility, and thermodynamic stability) indicates that this missense variant is not expected to disrupt GFPT1 protein function with a negative predictive value of 80%. In summary, the available evidence is currently insufficient to determine the role of this variant in disease. Therefore, it has been classified as a Variant of Uncertain Significance.

NM_001244710.2(GFPT1):c.247A>G (p.Ile83Val)

Gene: GFPT1 (glutamine--fructose-6-phosphate transaminase 1; minus strand). Cytogenetic location: 2p13.3.
Variant type: single nucleotide variant.
Coding change: c.247A>G on transcript NM_001244710.2 (MANE Select); coding-DNA position 247, A replaced by G.
Protein change: p.Ile83Val; replaces isoleucine 83 with valine.
Molecular consequence: missense variant.
Genome position (GRCh38, 1-based): chr2:69,363,647, T>C on the plus strand (A>G on the coding strand, the complement: GFPT1 is on the minus strand). VCF-style: chr2-69363647-T-C. GRCh37 (hg19) VCF-style: chr2-69590779-T-C.
Other names: c.247A>G, p.Ile83Val (NM_002056.4); short protein forms I83V.
Identifiers: ClinVar variation 2057368 (VCV002057368.3), dbSNP rs1480831620, ClinGen allele CA347133777.